The following is an entry in ClinVar:

ClinVar aggregate classification (germline): Benign (1 of 4 stars; one submission).

Conditions:
Familial colorectal cancer type X. Identifiers: Orphanet 440437, MedGen C3896578, MONDO:0018604.

gnomAD v4.1: 1 of 1,550,204 alleles (0.000065%); highest among the groups gnomAD compares: South Asian, 0.0012%; no homozygotes.

Submission:

Myriad Genetics, Inc.
Classification: Benign for Familial colorectal cancer type X. Last evaluated: 2026-08-04. Review status: criteria provided, single submitter. Criteria: Myriad Autosomal Dominant, Autosomal Recessive and X-Linked Classification Criteria (2023). Collection method: clinical testing. Allele origin: unknown.
Comment: This variant is considered benign. This variant is a silent/synonymous amino acid change and it is not expected to impact splicing.

NM_001146227.3(RPS20):c.378G>A (p.Gln126=)

Gene: RPS20 (ribosomal protein S20; minus strand). Cytogenetic location: 8q12.1.
Variant type: single nucleotide variant.
Coding change: c.378G>A on transcript NM_001146227.3; coding-DNA position 378, G replaced by A.
Protein change: p.Gln126=; no amino-acid change (glutamine 126 retained).
Molecular consequence: synonymous variant.
Genome position (GRCh38, 1-based): chr8:56,069,789, C>T on the plus strand (G>A on the coding strand, the complement: RPS20 is on the minus strand). VCF-style: chr8-56069789-C-T. GRCh37 (hg19) VCF-style: chr8-56982348-C-T.
Identifiers: ClinVar variation 5042344 (VCV005042344.1).